The following is an entry in ClinVar:

NM_005359.6(SMAD4):c.611C>G (p.Ser204Cys)

Gene: SMAD4 (SMAD family member 4; plus strand). Cytogenetic location: 18q21.2.
Variant type: single nucleotide variant.
Coding change: c.611C>G on transcript NM_005359.6 (MANE Select); coding-DNA position 611, C replaced by G.
Protein change: p.Ser204Cys; replaces serine 204 with cysteine.
Molecular consequence: missense variant. On other transcripts: non-coding transcript variant (2).
Genome position (GRCh38, 1-based): chr18:51,054,937, C>G. VCF-style: chr18-51054937-C-G. GRCh37 (hg19) VCF-style: chr18-48581307-C-G.
Other names: c.611C>G, p.Ser204Cys (NM_001407041.1, NM_001407042.1, NM_001407043.1); short protein forms S204C.
Identifiers: ClinVar variation 2797562 (VCV002797562.3), dbSNP rs2144419290, ClinGen allele CA402461161.
Genomic context (GRCh38, chr18:51,054,937, plus strand): 5'-ATCCACCAAGTAATCGTGCATCGACAGAGACATACAGCACCCCAGCTCTGTTAGCCCCAT[C>G]TGAGTCTAATGCTACCAGCACTGCCAACTTTCCCAACATTCCTGTGGCTTCCACAAGTGA-3'
Protein context (NP_005350.1, residues 194-214): TYSTPALLAP[Ser204Cys]ESNATSTANF

ClinVar aggregate classification (germline): Uncertain significance (1 of 4 stars; one submission).

Conditions:
Juvenile polyposis syndrome (JPS). Identifiers: Orphanet 2929, MedGen C0345893, MONDO:0017380, OMIM 174900.

Submission:

Labcorp Genetics (formerly Invitae), Labcorp
Classification: Uncertain significance for Juvenile polyposis syndrome. Last evaluated: 2025-04-07. Review status: criteria provided, single submitter. Criteria: Invitae Variant Classification Sherloc (09022015). Collection method: clinical testing. Allele origin: germline.
Comment: This sequence change replaces serine, which is neutral and polar, with cysteine, which is neutral and slightly polar, at codon 204 of the SMAD4 protein (p.Ser204Cys). This variant is not present in population databases (gnomAD no frequency). This variant has not been reported in the literature in individuals affected with SMAD4-related conditions. ClinVar contains an entry for this variant (Variation ID: 2797562). Invitae Evidence Modeling of protein sequence and biophysical properties (such as structural, functional, and spatial information, amino acid conservation, physicochemical variation, residue mobility, and thermodynamic stability) indicates that this missense variant is not expected to disrupt SMAD4 protein function with a negative predictive value of 95%. Algorithms developed to predict the effect of sequence changes on RNA splicing suggest that this variant may disrupt the consensus splice site. In summary, the available evidence is currently insufficient to determine the role of this variant in disease. Therefore, it has been classified as a Variant of Uncertain Significance.